The following is an entry in ClinVar:

ClinVar aggregate classification (germline): Uncertain significance (1 of 4 stars; one submission).

Allele frequency attached by ClinVar (database versions not stated): gnomAD exomes below 0.00001; gnomAD 0.00001; TOPMed 0.00001.
gnomAD v4.1: 2 of 1,607,410 alleles (0.00012%); highest among the groups gnomAD compares: East Asian, 0.0045%; no homozygotes.

Submission:

Labcorp Genetics (formerly Invitae), Labcorp
Classification: Uncertain significance. Last evaluated: 2021-04-22. Review status: criteria provided, single submitter. Criteria: Invitae Variant Classification Sherloc (09022015). Collection method: clinical testing. Allele origin: germline.
Comment: In summary, the available evidence is currently insufficient to determine the role of this variant in disease. Therefore, it has been classified as a Variant of Uncertain Significance. This sequence change replaces isoleucine with arginine at codon 670 of the ASPM protein (p.Ile670Arg). The isoleucine residue is moderately conserved and there is a moderate physicochemical difference between isoleucine and arginine. This variant is not present in population databases (ExAC no frequency). This variant has not been reported in the literature in individuals with ASPM-related conditions. Algorithms developed to predict the effect of missense changes on protein structure and function are either unavailable or do not agree on the potential impact of this missense change (SIFT: "Deleterious"; PolyPhen-2: "Possibly Damaging"; Align-GVGD: "Class C0"). Algorithms developed to predict the effect of sequence changes on RNA splicing suggest that this variant may create or strengthen a splice site, but this prediction has not been confirmed by published transcriptional studies.

NM_018136.5(ASPM):c.2009T>G (p.Ile670Arg)

Gene: ASPM (assembly factor for spindle microtubules; minus strand). Cytogenetic location: 1q31.3.
Variant type: single nucleotide variant.
Coding change: c.2009T>G on transcript NM_018136.5 (MANE Select); coding-DNA position 2009, T replaced by G.
Protein change: p.Ile670Arg; replaces isoleucine 670 with arginine.
Molecular consequence: missense variant.
Genome position (GRCh38, 1-based): chr1:197,139,784, A>C on the plus strand (T>G on the coding strand, the complement: ASPM is on the minus strand). VCF-style: chr1-197139784-A-C. GRCh37 (hg19) VCF-style: chr1-197108914-A-C.
Other names: c.2009T>G, p.Ile670Arg (NM_001206846.2); short protein forms I670R.
Identifiers: ClinVar variation 1389530 (VCV001389530.8), dbSNP rs1429110638, ClinGen allele CA344011586.